The following is an entry in ClinVar:

NM_012062.5(DNM1L):c.1288C>T (p.Arg430Cys)

Gene: DNM1L (dynamin 1 like; plus strand). Cytogenetic location: 12p11.21.
Variant type: single nucleotide variant.
Coding change: c.1288C>T on transcript NM_012062.5 (MANE Select); coding-DNA position 1288, C replaced by T.
Protein change: p.Arg430Cys; replaces arginine 430 with cysteine.
Molecular consequence: missense variant.
Genome position (GRCh38, 1-based): chr12:32,731,443, C>T. VCF-style: chr12-32731443-C-T. GRCh37 (hg19) VCF-style: chr12-32884377-C-T.
Other names: c.1288C>T, p.Arg430Cys (NM_001278463.2, NM_005690.5, NM_012063.4); c.1327C>T, p.Arg443Cys (NM_001278464.2, NM_001278465.2, NM_001330380.2); c.679C>T, p.Arg227Cys (NM_001278466.2); short protein forms R227C, R430C, R443C.
Identifiers: ClinVar variation 1723858 (VCV001723858.3), dbSNP rs905283579, ClinGen allele CA235195880.

ClinVar aggregate classification (germline): Uncertain significance (1 of 4 stars; one submission).

Allele frequency attached by ClinVar (database versions not stated): gnomAD exomes below 0.00001; TOPMed below 0.00001.
gnomAD v4.1: 7 of 1,614,136 alleles (0.00043%); highest among the groups gnomAD compares: Non-Finnish European, 0.00059%; no homozygotes.

Submission:

GeneDx
Classification: Uncertain significance. Last evaluated: 2024-01-02. Review status: criteria provided, single submitter. Criteria: GeneDx Variant Classification Process June 2021. Collection method: clinical testing. Allele origin: germline. Affected: yes.
Comment: Not observed at significant frequency in large population cohorts (gnomAD); In silico analysis supports that this missense variant has a deleterious effect on protein structure/function; Has not been previously published as pathogenic or benign to our knowledge